The following is an entry in ClinVar:

ClinVar aggregate classification (germline): Uncertain significance (1 of 4 stars; one submission).

gnomAD v4.1: 5 of 1,614,226 alleles (0.00031%); highest among the groups gnomAD compares: Non-Finnish European, 0.00042%; no homozygotes.

Submission:

Labcorp Genetics (formerly Invitae), Labcorp
Classification: Uncertain significance. Last evaluated: 2025-04-29. Review status: criteria provided, single submitter. Criteria: Invitae Variant Classification Sherloc (09022015). Collection method: clinical testing. Allele origin: germline.
Comment: This sequence change replaces glutamine, which is neutral and polar, with arginine, which is basic and polar, at codon 223 of the AIMP2 protein (p.Gln223Arg). This variant is present in population databases (rs760568809, gnomAD 0.002%). This variant has not been reported in the literature in individuals affected with AIMP2-related conditions. ClinVar contains an entry for this variant (Variation ID: 3614768). An algorithm developed to predict the effect of missense changes on protein structure and function (PolyPhen-2) suggests that this variant is likely to be tolerated. In summary, the available evidence is currently insufficient to determine the role of this variant in disease. Therefore, it has been classified as a Variant of Uncertain Significance.

NM_006303.4(AIMP2):c.668A>G (p.Gln223Arg)

Genes: AIMP2 (aminoacyl tRNA synthetase complex interacting multifunctional protein 2; plus strand), EIF2AK1 (eukaryotic translation initiation factor 2 alpha kinase 1; minus strand). Cytogenetic location: 7p22.1.
Variant type: single nucleotide variant.
Coding change: c.668A>G on transcript NM_006303.4 (MANE Select); coding-DNA position 668, A replaced by G.
Protein change: p.Gln223Arg; replaces glutamine 223 with arginine.
Molecular consequence: missense variant. On other transcripts: 3 prime UTR variant (2).
Genome position (GRCh38, 1-based): chr7:6,023,396, A>G. VCF-style: chr7-6023396-A-G. GRCh37 (hg19) VCF-style: chr7-6063027-A-G.
Other names: c.*1277T>C (NM_001134335.2, NM_014413.4); c.548A>G, p.Gln183Arg (NM_001326606.2); c.461A>G, p.Gln154Arg (NM_001326607.2); c.434A>G, p.Gln145Arg (NM_001326609.2, NM_001326610.2, NM_001326611.3); c.581A>G, p.Gln194Arg (NM_001362785.2); c.536A>G, p.Gln179Arg (NM_001362787.2); short protein forms Q145R, Q154R, Q179R, Q183R, Q194R, Q223R.
Identifiers: ClinVar variation 3614768 (VCV003614768.2).